The following is an entry in ClinVar:

ClinVar aggregate classification (germline): Uncertain significance (1 of 4 stars; one submission).

Conditions:
Early-infantile DEE. Also called: Early infantile epileptic encephalopathy; Ohtahara syndrome; Early infantile epileptic encephalopathy with suppression bursts. Identifiers: Orphanet 1934, MedGen C0393706, MONDO:0800491.

Allele frequency attached by ClinVar (database versions not stated): gnomAD 0.00001; gnomAD exomes 0.00001; TOPMed 0.00002; ESP Exome Variant Server 0.00008.
gnomAD v4.1: 15 of 1,614,104 alleles (0.00093%); highest among the groups gnomAD compares: Non-Finnish European, 0.0013%; no homozygotes.

Submission:

Labcorp Genetics (formerly Invitae), Labcorp
Classification: Uncertain significance for Early-infantile DEE. Last evaluated: 2026-01-31. Review status: criteria provided, single submitter. Criteria: Invitae Variant Classification Sherloc (09022015). Collection method: clinical testing. Allele origin: germline.
Comment: This sequence change replaces glutamic acid, which is acidic and polar, with lysine, which is basic and polar, at codon 783 of the KCNH5 protein (p.Glu783Lys). This variant is present in population databases (rs373967609, gnomAD 0.007%). This variant has not been reported in the literature in individuals affected with KCNH5-related conditions. ClinVar contains an entry for this variant (Variation ID: 1431920). Invitae Evidence Modeling of protein sequence and biophysical properties (such as structural, functional, and spatial information, amino acid conservation, physicochemical variation, residue mobility, and thermodynamic stability) indicates that this missense variant is not expected to disrupt KCNH5 protein function with a negative predictive value of 95%. In summary, the available evidence is currently insufficient to determine the role of this variant in disease. Therefore, it has been classified as a Variant of Uncertain Significance.

NM_139318.5(KCNH5):c.2347G>A (p.Glu783Lys)

Gene: KCNH5 (potassium voltage-gated channel subfamily H member 5; minus strand). Cytogenetic location: 14q23.2.
Variant type: single nucleotide variant.
Coding change: c.2347G>A on transcript NM_139318.5 (MANE Select); coding-DNA position 2347, G replaced by A.
Protein change: p.Glu783Lys; replaces glutamic acid 783 with lysine.
Molecular consequence: missense variant. On other transcripts: 3 prime UTR variant (1).
Genome position (GRCh38, 1-based): chr14:62,708,128, C>T on the plus strand (G>A on the coding strand, the complement: KCNH5 is on the minus strand). VCF-style: chr14-62708128-C-T. GRCh37 (hg19) VCF-style: chr14-63174846-C-T.
Other names: c.*314G>A (NM_172375.3); short protein forms E783K.
Identifiers: ClinVar variation 1431920 (VCV001431920.7), dbSNP rs373967609, ClinGen allele CA262376552.